The following is an entry in ClinVar:

ClinVar aggregate classification (germline): Benign/Likely benign. Review status: criteria provided, multiple submitters, no conflicts (2 of 4 stars). 3 submissions from 3 submitters: Benign (1); Likely benign (2). Last evaluated 2026-01-06.

Conditions:
Hereditary cancer-predisposing syndrome. Also called: Tumor predisposition; Neoplastic Syndromes, Hereditary; Hereditary neoplastic syndrome; Hereditary Cancer Syndrome. Identifiers: Orphanet 140162, MedGen C0027672, MeSH D009386, MONDO:0015356.
BAP1-related tumor predisposition syndrome (TPDS1). Also called: BAP1 tumor predisposition syndrome; Tumor susceptibility linked to germline BAP1 mutations; COMMON Syndrome; TUMOR PREDISPOSITION SYNDROME 1. Identifiers: Orphanet 289539, MedGen C3280492, MONDO:0013692, OMIM 614327.

Allele frequency attached by ClinVar (database versions not stated): gnomAD exomes below 0.00001; gnomAD 0.00001.
gnomAD v4.1: 2 of 1,614,088 alleles (0.00012%); highest among the groups gnomAD compares: African/African-American, 0.0013%; no homozygotes.

Submissions (3):

Labcorp Genetics (formerly Invitae), Labcorp
Classification: Likely benign for BAP1-related tumor predisposition syndrome. Last evaluated: 2026-01-06. Review status: criteria provided, single submitter. Criteria: Invitae Variant Classification Sherloc (09022015). Collection method: clinical testing. Allele origin: germline.

Myriad Genetics, Inc.
Classification: Benign for BAP1-related tumor predisposition syndrome. Last evaluated: 2024-07-11. Review status: criteria provided, single submitter. Criteria: Myriad Autosomal Dominant, Autosomal Recessive and X-Linked Classification Criteria (2023). Collection method: clinical testing. Allele origin: unknown.
Comment: This variant is considered benign. This variant is a silent/synonymous amino acid change and it is not expected to impact splicing.

Ambry Genetics
Classification: Likely benign for Hereditary cancer-predisposing syndrome. Last evaluated: 2021-09-16. Review status: criteria provided, single submitter. Criteria: Ambry Variant Classification Scheme 2023. Collection method: clinical testing. Allele origin: germline.

NM_004656.4(BAP1):c.102C>T (p.Asp34=)

Gene: BAP1 (BRCA1 associated deubiquitinase 1; minus strand). Cytogenetic location: 3p21.1.
Variant type: single nucleotide variant.
Coding change: c.102C>T on transcript NM_004656.4 (MANE Select); coding-DNA position 102, C replaced by T.
Protein change: p.Asp34=; no amino-acid change (aspartic acid 34 retained).
Molecular consequence: synonymous variant.
Genome position (GRCh38, 1-based): chr3:52,409,574, G>A on the plus strand (C>T on the coding strand, the complement: BAP1 is on the minus strand). VCF-style: chr3-52409574-G-A. GRCh37 (hg19) VCF-style: chr3-52443590-G-A.
Identifiers: ClinVar variation 417282 (VCV000417282.11), dbSNP rs374877961, ClinGen allele CA16611361.